The following is an entry in ClinVar:

ClinVar aggregate classification (germline): Likely benign (0 of 4 stars; one submission).

Conditions:
KMT2E-related disorder. Also called: KMT2E-related condition.

Allele frequency attached by ClinVar (database versions not stated): ExAC 0.17481.

Submission:

PreventionGenetics, part of Exact Sciences
Classification: Likely benign for KMT2E-related condition. Last evaluated: 2019-10-31. Review status: no assertion criteria provided. Collection method: clinical testing. Allele origin: germline.
Comment: This variant is classified as likely benign based on ACMG/AMP sequence variant interpretation guidelines (Richards et al. 2015 PMID: 25741868, with internal and published modifications).

NM_182931.3(KMT2E):c.5037A>C (p.Pro1679=)

Gene: KMT2E (lysine methyltransferase 2E (inactive); plus strand). Cytogenetic location: 7q22.3.
Variant type: single nucleotide variant.
Coding change: c.5037A>C on transcript NM_182931.3 (MANE Select); coding-DNA position 5037, A replaced by C.
Protein change: p.Pro1679=; no amino-acid change (proline 1679 retained).
Molecular consequence: synonymous variant.
Genome position (GRCh38, 1-based): chr7:105,112,793, A>C. VCF-style: chr7-105112793-A-C. GRCh37 (hg19) VCF-style: chr7-104753240-A-C.
Other names: c.4911A>C, p.Pro1637= (NM_001410908.1); c.5037A>C, p.Pro1679= (NM_018682.4).
Identifiers: ClinVar variation 3060867 (VCV003060867.2), dbSNP rs780033817, ClinGen allele CA4424890.
Genomic context (GRCh38, chr7:105,112,793, plus strand): 5'-TCATGCGGTCACCCCTGGGTCGCATATTCATTCTCAAACTGCTGGACACCACTTACCCCC[A>C]CCCCCACCCCCTCCTGGTCCTGCCCCTCATCACCATCCACCACCCCATCCATCCACAGGA-3'
Protein context (NP_891847.1, residues 1669-1689): HSQTAGHHLP[Pro1679=]PPPPPGPAPH